The following is an entry in ClinVar:

NM_020928.2(ZSWIM6):c.955C>T (p.His319Tyr)

Gene: ZSWIM6 (zinc finger SWIM-type containing 6; plus strand). Cytogenetic location: 5q12.1.
Variant type: single nucleotide variant.
Coding change: c.955C>T on transcript NM_020928.2 (MANE Select); coding-DNA position 955, C replaced by T.
Protein change: p.His319Tyr; replaces histidine 319 with tyrosine.
Molecular consequence: missense variant.
Genome position (GRCh38, 1-based): chr5:61,472,959, C>T. VCF-style: chr5-61472959-C-T. GRCh37 (hg19) VCF-style: chr5-60768786-C-T.
Other names: short protein forms H319Y.
Identifiers: ClinVar variation 2700591 (VCV002700591.3), dbSNP rs1383059068, ClinGen allele CA359941871.
Genomic context (GRCh38, chr5:61,472,959, plus strand): 5'-CTCTTTCAAATGAATAGAGACCAACTGCAAAAGTTTGTACAGTATTTGATCACAGTGCAC[C>T]ACACAGAAGTTTTGCCAACTGCTCAAAAATTAGCAGATGAAATTCTTTCCCAAAATTCAG-3'
Protein context (NP_065979.1, residues 309-329): KFVQYLITVH[His319Tyr]TEVLPTAQKL

ClinVar aggregate classification (germline): Uncertain significance (1 of 4 stars; one submission).

Allele frequency attached by ClinVar (database versions not stated): gnomAD exomes 0.00001.
gnomAD v4.1: 12 of 1,544,784 alleles (0.00078%); highest among the groups gnomAD compares: Non-Finnish European, 0.001%; no homozygotes.

Submission:

Labcorp Genetics (formerly Invitae), Labcorp
Classification: Uncertain significance. Last evaluated: 2023-06-09. Review status: criteria provided, single submitter. Criteria: Invitae Variant Classification Sherloc (09022015). Collection method: clinical testing. Allele origin: germline.
Comment: This sequence change replaces histidine, which is basic and polar, with tyrosine, which is neutral and polar, at codon 319 of the ZSWIM6 protein (p.His319Tyr). This variant is present in population databases (no rsID available, gnomAD 0.002%). This variant has not been reported in the literature in individuals affected with ZSWIM6-related conditions. Advanced modeling of protein sequence and biophysical properties (such as structural, functional, and spatial information, amino acid conservation, physicochemical variation, residue mobility, and thermodynamic stability) has been performed at Invitae for this missense variant, however the output from this modeling did not meet the statistical confidence thresholds required to predict the impact of this variant on ZSWIM6 protein function. In summary, the available evidence is currently insufficient to determine the role of this variant in disease. Therefore, it has been classified as a Variant of Uncertain Significance.